The following is an entry in ClinVar:

NM_003280.3(TNNC1):c.65C>A (p.Ala22Glu)

Gene: TNNC1 (troponin C1, slow skeletal and cardiac type; minus strand). Cytogenetic location: 3p21.1.
Variant type: single nucleotide variant.
Coding change: c.65C>A on transcript NM_003280.3 (MANE Select); coding-DNA position 65, C replaced by A.
Protein change: p.Ala22Glu; replaces alanine 22 with glutamic acid.
Molecular consequence: missense variant.
Genome position (GRCh38, 1-based): chr3:52,452,243, G>T on the plus strand (C>A on the coding strand, the complement: TNNC1 is on the minus strand). VCF-style: chr3-52452243-G-T. GRCh37 (hg19) VCF-style: chr3-52486259-G-T.
Other names: short protein forms A22E.
Identifiers: ClinVar variation 2098205 (VCV002098205.4), dbSNP rs2471444718, ClinGen allele CA353169629.

ClinVar aggregate classification (germline): Uncertain significance (1 of 4 stars; one submission).

Conditions:
Hypertrophic cardiomyopathy 13. Also called: TNNC1-Related Familial Hypertrophic Cardiomyopathy. Identifiers: MedGen C2750472, MONDO:0013195, OMIM 613243.
Dilated cardiomyopathy 1Z (CMD1Z). Identifiers: Orphanet 154, MedGen C2678475, MONDO:0012745, OMIM 611879.

Submission:

Labcorp Genetics (formerly Invitae), Labcorp
Classification: Uncertain significance for Hypertrophic cardiomyopathy 13; Dilated cardiomyopathy 1Z. Last evaluated: 2022-03-25. Review status: criteria provided, single submitter. Criteria: Invitae Variant Classification Sherloc (09022015). Collection method: clinical testing. Allele origin: germline.
Comment: This variant is not present in population databases (gnomAD no frequency). In summary, the available evidence is currently insufficient to determine the role of this variant in disease. Therefore, it has been classified as a Variant of Uncertain Significance. Algorithms developed to predict the effect of missense changes on protein structure and function are either unavailable or do not agree on the potential impact of this missense change (SIFT: "Tolerated"; PolyPhen-2: "Probably Damaging"; Align-GVGD: "Class C0"). This missense change has been observed in individual(s) with hypertrophic cardiomyopathy (PMID: 32815737). This sequence change replaces alanine, which is neutral and non-polar, with glutamic acid, which is acidic and polar, at codon 22 of the TNNC1 protein (p.Ala22Glu).

Literature cited by the submitters: PubMed 32815737.